The following is an entry in ClinVar:

ClinVar aggregate classification (germline): Uncertain significance (1 of 4 stars; one submission).

Conditions:
Hereditary cancer-predisposing syndrome. Also called: Hereditary Cancer Syndrome; Neoplastic Syndromes, Hereditary; Tumor predisposition; Hereditary neoplastic syndrome. Identifiers: Orphanet 140162, MedGen C0027672, MeSH D009386, MONDO:0015356.

Submission:

Ambry Genetics
Classification: Uncertain significance for Hereditary cancer-predisposing syndrome. Last evaluated: 2022-09-03. Review status: criteria provided, single submitter. Criteria: Ambry Variant Classification Scheme 2023. Collection method: clinical testing. Allele origin: germline.
Comment: The p.S172P variant (also known as c.514T>C), located in coding exon 4 of the SUFU gene, results from a T to C substitution at nucleotide position 514. The serine at codon 172 is replaced by proline, an amino acid with similar properties. This amino acid position is conserved. In addition, this alteration is predicted to be deleterious by in silico analysis. Since supporting evidence is limited at this time, the clinical significance of this alteration remains unclear.

NM_016169.4(SUFU):c.514T>C (p.Ser172Pro)

Gene: SUFU (SUFU negative regulator of hedgehog signaling; plus strand). Cytogenetic location: 10q24.32.
Variant type: single nucleotide variant.
Coding change: c.514T>C on transcript NM_016169.4 (MANE Select); coding-DNA position 514, T replaced by C.
Protein change: p.Ser172Pro; replaces serine 172 with proline.
Molecular consequence: missense variant.
Genome position (GRCh38, 1-based): chr10:102,592,641, T>C. VCF-style: chr10-102592641-T-C. GRCh37 (hg19) VCF-style: chr10-104352398-T-C.
Other names: c.514T>C, p.Ser172Pro (NM_001178133.2); short protein forms S172P.
Identifiers: ClinVar variation 1745667 (VCV001745667.2), dbSNP rs2545081099, ClinGen allele CA377908318.